The following is an entry in ClinVar:

GRCh37/hg19 4p15.33-15.1(chr4:12778849-27760141)

Genes: ADGRA3 (adhesion G protein-coupled receptor A3; minus strand), ANAPC4 (anaphase promoting complex subunit 4; plus strand), BOD1L1 (biorientation of chromosomes in cell division 1 like 1; minus strand), BST1 (bone marrow stromal cell antigen 1; plus strand), C1QTNF7 (C1q and TNF related 7; plus strand) and 39 more. Cytogenetic location: 4p15.33-15.1.
Variant type: copy number loss.
Identifiers: ClinVar variation 625699 (VCV000625699.1).

ClinVar aggregate classification (germline): Pathogenic (1 of 4 stars; one submission).

Submission:

Baylor Genetics
Classification: Pathogenic. Last evaluated: 2018-11-01. Review status: criteria provided, single submitter. Criteria: ACMG CNV Guidelines, 2011. Collection method: clinical testing. Allele origin: germline. Observed: 1 variant allele.